The following is an entry in ClinVar:

NM_000384.3(APOB):c.13670G>C (p.Gly4557Ala)

Genes: APOB (apolipoprotein B; minus strand), APOB3'MAR (APOB 3' scaffold/matrix attachment region; plus strand). Cytogenetic location: 2p24.1.
Variant type: single nucleotide variant.
Coding change: c.13670G>C on transcript NM_000384.3 (MANE Select); coding-DNA position 13670, G replaced by C.
Protein change: p.Gly4557Ala; replaces glycine 4557 with alanine.
Molecular consequence: missense variant.
Genome position (GRCh38, 1-based): chr2:21,001,752, C>G on the plus strand (G>C on the coding strand, the complement: APOB is on the minus strand). VCF-style: chr2-21001752-C-G. GRCh37 (hg19) VCF-style: chr2-21224624-C-G.
Other names: short protein forms G4557A.
Identifiers: ClinVar variation 919908 (VCV000919908.13), dbSNP rs146687572, ClinGen allele CA053453.

ClinVar aggregate classification (germline): Conflicting classifications of pathogenicity. Review status: criteria provided, conflicting classifications (1 of 4 stars). 5 submissions from 5 submitters: Uncertain significance (3); Likely benign (2). Last evaluated 2026-04-07.

Conditions:
Cardiovascular phenotype. Identifiers: MedGen CN230736.
Familial hypobetalipoproteinemia 1. Also called: APOB-Related Familial Hypobetalipoproteinemia; Hypobetalipoproteinemia, normotriglyceridemic; Acanthocytosis with hypobetalipoproteinemia. Identifiers: MedGen C4551990, MONDO:0014252, OMIM 615558.
Hypercholesterolemia, autosomal dominant, type B (FHCL2). Also called: Hyperlipoproteinemia Type IIb; Familial Hypercholesterolemia Type B; APOLIPOPROTEIN B-100, FAMILIAL DEFECTIVE; APOLIPOPROTEIN B-100, FAMILIAL LIGAND-DEFECTIVE; Familial hypercholesterolemia 2; HYPERCHOLESTEROLEMIA, FAMILIAL, DUE TO LIGAND-DEFECTIVE APOLIPOPROTEIN B. Identifiers: MedGen C1704417, MONDO:0007751, OMIM 144010.
APOB-related disorder. Also called: APOB-related condition; APOB-related disorders.
Familial hypercholesterolemia. Also called: Familial hypercholesterolemias; Familial hypercholesterolaemia. Identifiers: MedGen C0020445, MONDO:0005439.

Allele frequency attached by ClinVar (database versions not stated): gnomAD exomes 0.00008; ExAC 0.00011; 1000 Genomes Project 30x 0.00031; TOPMed 0.00035; 1000 Genomes Project 0.00040; ESP Exome Variant Server 0.00069.
gnomAD v4.1: 76 of 1,613,904 alleles (0.0047%); highest among the groups gnomAD compares: African/African-American, 0.095%; no homozygotes.

Submissions (5):

PreventionGenetics, part of Exact Sciences
Classification: Uncertain significance for APOB-related condition. Last evaluated: 2026-04-07. Review status: criteria provided, single submitter. Criteria: ACMG Guidelines, 2015. Collection method: clinical testing. Allele origin: germline.
Comment: The APOB c.13670G>C variant is predicted to result in the amino acid substitution p.Gly4557Ala. To our knowledge, this variant has not been reported in the literature. This variant is reported in 0.096% of alleles in individuals of African descent in gnomAD. In ClinVar, this variant has conflicting classifications of uncertain and likely benign (Variation ID: 919908). Although we suspect that this variant may be benign, at this time, the clinical significance of this variant is uncertain due to the absence of conclusive functional and genetic evidence.

Labcorp Genetics (formerly Invitae), Labcorp
Classification: Likely benign for Familial hypobetalipoproteinemia 1; Hypercholesterolemia, autosomal dominant, type B. Last evaluated: 2026-01-28. Review status: criteria provided, single submitter. Criteria: Invitae Variant Classification Sherloc (09022015). Collection method: clinical testing. Allele origin: germline.

GeneDx
Classification: Uncertain significance. Last evaluated: 2025-01-01. Review status: criteria provided, single submitter. Criteria: GeneDx Variant Classification Process June 2021. Collection method: clinical testing. Allele origin: germline. Affected: yes.
Comment: In silico analysis supports that this missense variant has a deleterious effect on protein structure/function; Has not been previously published as pathogenic or benign to our knowledge

Ambry Genetics
Classification: Likely benign for Cardiovascular phenotype. Last evaluated: 2023-03-07. Review status: criteria provided, single submitter. Criteria: Ambry Variant Classification Scheme 2023. Collection method: clinical testing. Allele origin: germline.

Color Diagnostics, LLC DBA Color Health
Classification: Uncertain significance for Familial hypercholesterolemia. Last evaluated: 2019-09-09. Review status: criteria provided, single submitter. Criteria: ACMG Guidelines, 2015. Collection method: clinical testing. Allele origin: germline.